The following is an entry in ClinVar:

ClinVar aggregate classification (germline): Uncertain significance (1 of 4 stars; one submission).

Conditions:
Benign neonatal seizures. Also called: Benign familial neonatal epilepsy; Convulsions benign familial neonatal dominant form; Autosomal dominant form of benign neonatal seizures; Benign neonatal familial convulsions; Benign familial neonatal seizures. Identifiers: MONDO:0016027, Orphanet 1949, MedGen C0220669.

Allele frequency attached by ClinVar (database versions not stated): gnomAD exomes below 0.00001.
gnomAD v4.1: 1 of 1,240,148 alleles (0.000081%); highest among the groups gnomAD compares: Non-Finnish European, 0.0001%; no homozygotes.

Submission:

Labcorp Genetics (formerly Invitae), Labcorp
Classification: Uncertain significance for Benign neonatal seizures. Last evaluated: 2023-10-13. Review status: criteria provided, single submitter. Criteria: Invitae Variant Classification Sherloc (09022015). Collection method: clinical testing. Allele origin: germline.
Comment: This sequence change replaces glycine, which is neutral and non-polar, with arginine, which is basic and polar, at codon 21 of the KCNQ3 protein (p.Gly21Arg). This variant is not present in population databases (gnomAD no frequency). This variant has not been reported in the literature in individuals affected with KCNQ3-related conditions. ClinVar contains an entry for this variant (Variation ID: 838374). Advanced modeling of protein sequence and biophysical properties (such as structural, functional, and spatial information, amino acid conservation, physicochemical variation, residue mobility, and thermodynamic stability) performed at Invitae indicates that this missense variant is not expected to disrupt KCNQ3 protein function. In summary, the available evidence is currently insufficient to determine the role of this variant in disease. Therefore, it has been classified as a Variant of Uncertain Significance.

NM_004519.4(KCNQ3):c.61G>A (p.Gly21Arg)

Gene: KCNQ3 (potassium voltage-gated channel subfamily Q member 3; minus strand). Cytogenetic location: 8q24.22.
Variant type: single nucleotide variant.
Coding change: c.61G>A on transcript NM_004519.4 (MANE Select); coding-DNA position 61, G replaced by A.
Protein change: p.Gly21Arg; replaces glycine 21 with arginine.
Molecular consequence: missense variant.
Genome position (GRCh38, 1-based): chr8:132,480,472, C>T on the plus strand (G>A on the coding strand, the complement: KCNQ3 is on the minus strand). VCF-style: chr8-132480472-C-T. GRCh37 (hg19) VCF-style: chr8-133492719-C-T.
Other names: short protein forms G21R.
Identifiers: ClinVar variation 838374 (VCV000838374.9), dbSNP rs1822526871, ClinGen allele CA372292974.